The following is an entry in ClinVar:

ClinVar aggregate classification (germline): Uncertain significance (1 of 4 stars; one submission).

Conditions:
Fanconi anemia (FA). Also called: Fanconi's anemia. Identifiers: Orphanet 84, MedGen C0015625, MeSH D005199, MONDO:0019391.

Submission:

Labcorp Genetics (formerly Invitae), Labcorp
Classification: Uncertain significance for Fanconi anemia. Last evaluated: 2021-03-07. Review status: criteria provided, single submitter. Criteria: Invitae Variant Classification Sherloc (09022015). Collection method: clinical testing. Allele origin: germline.
Comment: This sequence change replaces isoleucine with valine at codon 184 of the FANCL protein (p.Ile184Val). The isoleucine residue is weakly conserved and there is a small physicochemical difference between isoleucine and valine. This variant is not present in population databases (ExAC no frequency). This variant has not been reported in the literature in individuals with FANCL-related conditions. Algorithms developed to predict the effect of missense changes on protein structure and function output the following: SIFT: "Tolerated"; PolyPhen-2: "Benign"; Align-GVGD: "Class C0". The valine amino acid residue is found in multiple mammalian species, suggesting that this missense change does not adversely affect protein function. These predictions have not been confirmed by published functional studies and their clinical significance is uncertain. Algorithms developed to predict the effect of sequence changes on RNA splicing suggest that this variant may create or strengthen a splice site, but this prediction has not been confirmed by published transcriptional studies. In summary, the available evidence is currently insufficient to determine the role of this variant in disease. Therefore, it has been classified as a Variant of Uncertain Significance.

NM_018062.4(FANCL):c.550A>G (p.Ile184Val)

Gene: FANCL (FA complementation group L; minus strand). Cytogenetic location: 2p16.1.
Variant type: single nucleotide variant.
Coding change: c.550A>G on transcript NM_018062.4 (MANE Select); coding-DNA position 550, A replaced by G.
Protein change: p.Ile184Val; replaces isoleucine 184 with valine.
Molecular consequence: missense variant.
Genome position (GRCh38, 1-based): chr2:58,165,865, T>C on the plus strand (A>G on the coding strand, the complement: FANCL is on the minus strand). VCF-style: chr2-58165865-T-C. GRCh37 (hg19) VCF-style: chr2-58393000-T-C.
Other names: c.565A>G, p.Ile189Val (NM_001114636.2); c.595A>G, p.Ile199Val (NM_001374615.1); c.610A>G, p.Ile204Val (NM_001410792.1); short protein forms I184V, I189V, I199V, I204V.
Identifiers: ClinVar variation 1508368 (VCV001508368.8), dbSNP rs2104818711, ClinGen allele CA346938134.